The following is an entry in ClinVar:

NM_000535.7(PMS2):c.878A>G (p.Asn293Ser)

Gene: PMS2 (PMS1 homolog 2, mismatch repair system component; minus strand). Cytogenetic location: 7p22.1.
Variant type: single nucleotide variant.
Coding change: c.878A>G on transcript NM_000535.7 (MANE Select); coding-DNA position 878, A replaced by G.
Protein change: p.Asn293Ser; replaces asparagine 293 with serine.
Molecular consequence: missense variant. On other transcripts: 5 prime UTR variant (2), non-coding transcript variant (1).
Genome position (GRCh38, 1-based): chr7:5,995,559, T>C on the plus strand (A>G on the coding strand, the complement: PMS2 is on the minus strand). VCF-style: chr7-5995559-T-C. GRCh37 (hg19) VCF-style: chr7-6035190-T-C.
Other names: c.473A>G, p.Asn158Ser (NM_001322003.2, NM_001322004.2, NM_001322005.2 and 2 more transcripts); c.878A>G, p.Asn293Ser (NM_001322006.2, NM_001322014.2); c.560A>G, p.Asn187Ser (NM_001322007.2, NM_001322008.2); c.-56A>G (NM_001322011.2, NM_001322012.2); c.305A>G, p.Asn102Ser (NM_001322013.2); c.569A>G, p.Asn190Ser (NM_001322015.2); short protein forms N293S, N158S, N190S, N102S, N187S.
Identifiers: ClinVar variation 455746 (VCV000455746.15), dbSNP rs1274671450, ClinGen allele CA366743439.

ClinVar aggregate classification (germline): Uncertain significance. Review status: criteria provided, multiple submitters, no conflicts (2 of 4 stars). 6 submissions from 6 submitters: Uncertain significance (6). Last evaluated 2025-11-16.

Conditions:
Lynch syndrome 4 (LYNCH4). Also called: Colorectal cancer, hereditary nonpolyposis, type 4; Hereditary non-polyposis colorectal cancer, type 4. Identifiers: Orphanet 144, MedGen C1838333, MONDO:0013699, OMIM 614337. Disease mechanism: loss of function.
Mismatch repair cancer syndrome 4. Identifiers: MedGen C5436817, MONDO:0030843, OMIM 619101.
Hereditary nonpolyposis colorectal neoplasms. Identifiers: MedGen C0009405, MeSH D003123.
Hereditary cancer-predisposing syndrome. Also called: Hereditary Cancer Syndrome; Hereditary neoplastic syndrome; Neoplastic Syndromes, Hereditary; Tumor predisposition. Identifiers: Orphanet 140162, MedGen C0027672, MeSH D009386, MONDO:0015356.
Lynch syndrome. Identifiers: Orphanet 144, MedGen C4552100, MONDO:0005835. Disease mechanism: loss of function.

Allele frequency attached by ClinVar (database versions not stated): gnomAD exomes below 0.00001; gnomAD 0.00001; TOPMed 0.00001.
gnomAD v4.1: 6 of 1,613,708 alleles (0.00037%); highest among the groups gnomAD compares: East Asian, 0.0022%; no homozygotes.

Submissions (6):

Labcorp Genetics (formerly Invitae), Labcorp
Classification: Uncertain significance for Hereditary nonpolyposis colorectal neoplasms. Last evaluated: 2025-11-16. Review status: criteria provided, single submitter. Criteria: Invitae Variant Classification Sherloc (09022015). Collection method: clinical testing. Allele origin: germline.
Comment: This sequence change replaces asparagine, which is neutral and polar, with serine, which is neutral and polar, at codon 293 of the PMS2 protein (p.Asn293Ser). This variant is present in population databases (no rsID available, gnomAD 0.06%). This variant has not been reported in the literature in individuals affected with PMS2-related conditions. ClinVar contains an entry for this variant (Variation ID: 455746). Invitae Evidence Modeling incorporating data from in vitro experimental studies (internal data) indicates that this missense variant is not expected to disrupt PMS2 function with a negative predictive value of 95%. In summary, the available evidence is currently insufficient to determine the role of this variant in disease. Therefore, it has been classified as a Variant of Uncertain Significance.

Ambry Genetics
Classification: Uncertain significance for Hereditary cancer-predisposing syndrome. Last evaluated: 2024-10-18. Review status: criteria provided, single submitter. Criteria: Ambry Variant Classification Scheme 2023. Collection method: clinical testing. Allele origin: germline.
Comment: The p.N293S variant (also known as c.878A>G), located in coding exon 8 of the PMS2 gene, results from an A to G substitution at nucleotide position 878. The asparagine at codon 293 is replaced by serine, an amino acid with highly similar properties. This variant identified in a cohort of 3,579 African males diagnosed with prostate cancer who underwent multi-gene panel testing (Matejcic M et al. JCO Precis Oncol, 2020 Jan;4:32-43). This amino acid position is highly conserved in available vertebrate species. In addition, the in silico prediction for this alteration is inconclusive. Since supporting evidence is limited at this time, the clinical significance of this alteration remains unclear.

Color Diagnostics, LLC DBA Color Health
Classification: Uncertain significance for Hereditary cancer-predisposing syndrome. Last evaluated: 2024-07-09. Review status: criteria provided, single submitter. Criteria: ACMG Guidelines, 2015. Collection method: clinical testing. Allele origin: germline.
Comment: This missense variant replaces asparagine with serine at codon 293 of the PMS2 protein. Computational prediction suggests that this variant may have deleterious impact on protein structure and function (internally defined REVEL score threshold >= 0.7, PMID: 27666373). To our knowledge, functional studies have not been reported for this variant. This variant has been observed in an individual affected with prostate cancer (PMID: 32832836). This variant has been identified in 2/31392 chromosomes in the general population by the Genome Aggregation Database (gnomAD). The available evidence is insufficient to determine the role of this variant in disease conclusively. Therefore, this variant is classified as a Variant of Uncertain Significance.

All of Us Research Program, National Institutes of Health
Classification: Uncertain significance for Lynch syndrome. Last evaluated: 2024-06-08. Review status: criteria provided, single submitter. Criteria: ACMG Guidelines, 2015. Collection method: clinical testing. Allele origin: germline. Inheritance: Autosomal dominant inheritance. Observed: 1 variant allele, 1 heterozygote.
Comment: This study involves interpretation of variants in research participants for the purpose of population health screening. Participant phenotype was not available at the time of variant classification. Additional details can be found in publication PMID: 35346344, PMCID: PMC8962531

Fulgent Genetics
Classification: Uncertain significance for Lynch syndrome 4; Mismatch repair cancer syndrome 4. Last evaluated: 2024-04-25. Review status: criteria provided, single submitter. Criteria: ACMG Guidelines, 2015. Collection method: clinical testing. Allele origin: germline.

Women's Health and Genetics/Laboratory Corporation of America, LabCorp
Classification: Uncertain significance. Last evaluated: 2024-03-20. Review status: criteria provided, single submitter. Criteria: LabCorp Variant Classification Summary - May 2015. Collection method: clinical testing. Allele origin: germline.
Comment: Variant summary: PMS2 c.878A>G (p.Asn293Ser) results in a conservative amino acid change in the DNA mismatch repair protein, S5 domain 2-like domain (IPR013507) of the encoded protein sequence. Three of five in-silico tools predict a damaging effect of the variant on protein function. The variant was absent in 251408 control chromosomes. The available data on variant occurrences in the general population are insufficient to allow any conclusion about variant significance. c.878A>G has been reported in the literature in individuals affected with Breast cancer and was also found in control cohorts in two large case-control studies (Okawa_2023, Dorling_2021). These report(s) do not provide unequivocal conclusions about association of the variant with Lynch Syndrome. To our knowledge, no experimental evidence demonstrating an impact on protein function has been reported. ClinVar contains an entry for this variant (Variation ID: 455746). Based on the evidence outlined above, the variant was classified as uncertain significance.

Literature cited by the submitters: PubMed 32832836 (cited by Ambry Genetics and Color Diagnostics, LLC DBA Color Health); PubMed 33471991 (cited by Women's Health and Genetics/Laboratory Corporation of America, LabCorp); PubMed 36243179 (cited by Women's Health and Genetics/Laboratory Corporation of America, LabCorp).